The following is an entry in ClinVar:

ClinVar aggregate classification (germline): Pathogenic (1 of 4 stars; one submission).

Conditions:
Coffin-Siris syndrome 1 (CSS1). Also called: Mental retardation, autosomal dominant 12; ARID1B-Related Coffin-Siris Syndrome. Identifiers: Orphanet 1465, MedGen C3281201, MONDO:0007617, OMIM 135900. Disease mechanism: gain of function.

Submission:

Victorian Clinical Genetics Services, Murdoch Childrens Research Institute
Classification: Pathogenic for Coffin-Siris syndrome 1. Last evaluated: 2024-12-18. Review status: criteria provided, single submitter. Criteria: ACMG Guidelines, 2015. Collection method: clinical testing. Allele origin: germline. Affected: yes.
Comment: This variant is classified as Pathogenic. Evidence in support of pathogenic classification: Variant is predicted to cause nonsense-mediated decay (NMD) and loss of protein (premature termination codon is located at least 54 nucleotides upstream of the final exon-exon junction); Variant is absent from gnomAD (v2, v3 and v4); Other NMD-predicted variant(s) comparable to the one identified in this case have very strong previous evidence for pathogenicity (DECIPHER); Additional information: This variant is heterozygous; This gene is associated with autosomal dominant disease; This variant has no previous evidence of pathogenicity; No published segregation evidence has been identified for this variant; No published functional evidence has been identified for this variant; Loss of function is a known mechanism of disease in this gene and is associated with Coffin-Siris syndrome 1 (MIM#135900); Variants in this gene are known to have variable expressivity (PMID: 33768696).

Literature cited by the submitters: PubMed 33768696.

NM_001374828.1(ARID1B):c.1617_1671delinsTGCCCGCGGCCGCGGGG (p.Gln539fs)

Gene: ARID1B (AT-rich interaction domain 1B; plus strand). Cytogenetic location: 6q25.3.
Variant type: Indel.
Coding change: c.1617_1671delinsTGCCCGCGGCCGCGGGG on transcript NM_001374828.1 (MANE Select); coding-DNA positions 1617 to 1671, the reference bases replaced by TGCCCGCGGCCGCGGGG.
Protein change: p.Gln539fs; shifts the reading frame from glutamine 539.
Molecular consequence: frameshift variant.
Genome position (GRCh38, 1-based): chr6:156,779,297-156,779,351, 55 bases replaced. GRCh37 (hg19): chr6:157,100,431-157,100,485.
Other names: c.1617_1671delinsTGCCCGCGGCCGCGGGG, p.Gln539fs (NM_001371656.1, NM_001374820.1, NM_001438482.1 and 9 more transcripts); short protein forms Q539fs.
Identifiers: ClinVar variation 4532020 (VCV004532020.1).